The following is an entry in ClinVar:

ClinVar aggregate classification (germline): Uncertain significance (1 of 4 stars; one submission).

Submission:

Women's Health and Genetics/Laboratory Corporation of America, LabCorp
Classification: Uncertain significance. Last evaluated: 2025-03-14. Review status: criteria provided, single submitter. Criteria: LabCorp Variant Classification Summary - May 2015. Collection method: clinical testing. Allele origin: germline.
Comment: Variant summary: PKD1 c.302A>G (p.Asn101Ser) results in a conservative amino acid change in the encoded protein sequence. Three of four in-silico tools predict a damaging effect of the variant on protein function. The frequency data for this variant in gnomAD is considered unreliable, as metrics indicate poor data quality at this position. c.302A>G has been reported in the literature in an individual affected with Polycystic Kidney Disease 1 (Carrera_2016). These data do not allow any conclusion about variant significance. To our knowledge, no experimental evidence demonstrating an impact on protein function has been reported. The following publication has been ascertained in the context of this evaluation (PMID: 27499327). No submitters have cited clinical-significance assessments for this variant to ClinVar. Based on the evidence outlined above, the variant was classified as uncertain significance.

Literature cited by the submitters: PubMed 27499327.

NM_001009944.3(PKD1):c.302A>G (p.Asn101Ser)

Gene: PKD1 (polycystin 1, transient receptor potential channel interacting; minus strand). Cytogenetic location: 16p13.3.
Variant type: single nucleotide variant.
Coding change: c.302A>G on transcript NM_001009944.3 (MANE Select); coding-DNA position 302, A replaced by G.
Protein change: p.Asn101Ser; replaces asparagine 101 with serine.
Molecular consequence: missense variant.
Genome position (GRCh38, 1-based): chr16:2,119,171, T>C on the plus strand (A>G on the coding strand, the complement: PKD1 is on the minus strand). VCF-style: chr16-2119171-T-C. GRCh37 (hg19) VCF-style: chr16-2169172-T-C.
Other names: c.302A>G, p.Asn101Ser (NM_000296.4); short protein forms N101S.
Identifiers: ClinVar variation 3895635 (VCV003895635.1).